The following is an entry in ClinVar:

ClinVar aggregate classification (germline): Uncertain significance (1 of 4 stars; one submission).

Conditions:
Neuropathy, hereditary sensory and autonomic, type 2A (HSAN2A). Also called: ACROOSTEOLYSIS, GIACCAI TYPE; ACROOSTEOLYSIS, NEUROGENIC; MORVAN DISEASE; NEUROPATHY, CONGENITAL SENSORY; NEUROPATHY, HEREDITARY SENSORY RADICULAR, AUTOSOMAL RECESSIVE; NEUROPATHY, HEREDITARY SENSORY, TYPE IIA. Identifiers: Orphanet 970, MedGen C2752089, MONDO:0024309, OMIM 201300.
Pseudohypoaldosteronism type 2C (PHA2C). Also called: Pseudohypoaldosteronism Type IIC. Identifiers: Orphanet 757, Orphanet 88940, MedGen C1840391, MONDO:0013778, OMIM 614492.

gnomAD v4.1: 1 of 1,613,974 alleles (0.000062%); highest among the groups gnomAD compares: Non-Finnish European, 0.000085%; no homozygotes.

Submission:

Labcorp Genetics (formerly Invitae), Labcorp
Classification: Uncertain significance for Neuropathy, hereditary sensory and autonomic, type 2A; Pseudohypoaldosteronism type 2C. Last evaluated: 2022-11-17. Review status: criteria provided, single submitter. Criteria: Invitae Variant Classification Sherloc (09022015). Collection method: clinical testing. Allele origin: germline.
Comment: Algorithms developed to predict the effect of sequence changes on RNA splicing suggest that this variant may disrupt the consensus splice site. Advanced modeling of protein sequence and biophysical properties (such as structural, functional, and spatial information, amino acid conservation, physicochemical variation, residue mobility, and thermodynamic stability) performed at Invitae indicates that this missense variant is not expected to disrupt WNK1 protein function. This variant has not been reported in the literature in individuals affected with WNK1-related conditions. This variant is not present in population databases (gnomAD no frequency). This sequence change replaces arginine, which is basic and polar, with leucine, which is neutral and non-polar, at codon 668 of the WNK1 protein (p.Arg668Leu). In summary, the available evidence is currently insufficient to determine the role of this variant in disease. Therefore, it has been classified as a Variant of Uncertain Significance.

NM_018979.4(WNK1):c.2003G>T (p.Arg668Leu)

Gene: WNK1 (WNK lysine deficient protein kinase 1; plus strand). Cytogenetic location: 12p13.33.
Variant type: single nucleotide variant.
Coding change: c.2003G>T on transcript NM_018979.4 (MANE Select); coding-DNA position 2003, G replaced by T.
Protein change: p.Arg668Leu; replaces arginine 668 with leucine.
Molecular consequence: missense variant.
Genome position (GRCh38, 1-based): chr12:862,134, G>T. VCF-style: chr12-862134-G-T. GRCh37 (hg19) VCF-style: chr12-971300-G-T.
Other names: c.2003G>T, p.Arg668Leu (NM_001184985.2, NM_014823.3, NM_213655.5); short protein forms R668L.
Identifiers: ClinVar variation 2933199 (VCV002933199.3), dbSNP rs753167766, ClinGen allele CA383336265.